The following is an entry in ClinVar:

NM_000435.3(NOTCH3):c.3182G>A (p.Cys1061Tyr)

Gene: NOTCH3 (notch receptor 3; minus strand). Cytogenetic location: 19p13.12.
Variant type: single nucleotide variant.
Coding change: c.3182G>A on transcript NM_000435.3 (MANE Select); coding-DNA position 3182, G replaced by A.
Protein change: p.Cys1061Tyr; replaces cysteine 1061 with tyrosine.
Molecular consequence: missense variant.
Genome position (GRCh38, 1-based): chr19:15,180,217, C>T on the plus strand (G>A on the coding strand, the complement: NOTCH3 is on the minus strand). VCF-style: chr19-15180217-C-T. GRCh37 (hg19) VCF-style: chr19-15291028-C-T.
Other names: short protein forms C1061Y.
Identifiers: ClinVar variation 419978 (VCV000419978.16), dbSNP rs1064794216, ClinGen allele CA16620807.

ClinVar aggregate classification (germline): Pathogenic/Likely pathogenic. Review status: criteria provided, multiple submitters, no conflicts (2 of 4 stars). 5 submissions from 5 submitters: Pathogenic (1); Likely pathogenic (4). Last evaluated 2025-10-09.

Conditions:
Cerebral arterial disease. Identifiers: MedGen C0007774, MONDO:0006693.

Allele frequency attached by ClinVar (database versions not stated): gnomAD exomes below 0.00001.
gnomAD v4.1: 3 of 1,613,882 alleles (0.00019%); highest among the groups gnomAD compares: Non-Finnish European, 0.00025%; no homozygotes.

Submissions (5):

Labcorp Genetics (formerly Invitae), Labcorp
Classification: Likely pathogenic. Last evaluated: 2025-10-09. Review status: criteria provided, single submitter. Criteria: Invitae Variant Classification Sherloc (09022015). Collection method: clinical testing. Allele origin: germline.
Comment: This sequence change replaces cysteine, which is neutral and slightly polar, with tyrosine, which is neutral and polar, at codon 1061 of the NOTCH3 protein (p.Cys1061Tyr). This variant is not present in population databases (gnomAD no frequency). This missense change has been observed in individuals with clinical features of CADASIL (PMID: 22639698, 31443546; internal data). ClinVar contains an entry for this variant (Variation ID: 419978). Invitae Evidence Modeling of protein sequence and biophysical properties (such as structural, functional, and spatial information, amino acid conservation, physicochemical variation, residue mobility, and thermodynamic stability) indicates that this missense variant is expected to disrupt NOTCH3 protein function with a positive predictive value of 95%. This variant disrupts the p.Cys1061 amino acid residue in NOTCH3. Other variant(s) that disrupt this residue have been observed in individuals with NOTCH3-related conditions (PMID: 33942994), which suggests that this may be a clinically significant amino acid residue. In summary, the currently available evidence indicates that the variant is pathogenic, but additional data are needed to prove that conclusively. Therefore, this variant has been classified as Likely Pathogenic.

Athena Diagnostics
Classification: Pathogenic. Last evaluated: 2023-10-02. Review status: criteria provided, single submitter. Criteria: Athena Diagnostics Criteria. Collection method: clinical testing. Allele origin: unknown.
Comment: This variant has been identified in at least one individual with clinical features associated with CADASIL. This variant has not been reported in large, multi-ethnic general populations. Computational tools predict that this variant is damaging. This variant alters a critical location within the protein, and is expected to severely affect function and cause disease. Greater than 90% of NOTCH3 pathogenic variants associated with CADASIL involve the gain or loss of a cysteine residue within the epidermal growth factor (EGF)-like repeat domain (PMID: 32457593, 20301673).

Mayo Clinic Laboratories, Mayo Clinic
Classification: Likely pathogenic. Last evaluated: 2023-05-04. Review status: criteria provided, single submitter. Criteria: ACMG Guidelines, 2015. Collection method: clinical testing. Allele origin: germline. Observed: 1 variant allele.
Comment: PP2, PP3, PM1, PM2, PM5, PS4_moderate

GeneDx
Classification: Likely pathogenic. Last evaluated: 2022-07-19. Review status: criteria provided, single submitter. Criteria: GeneDx Variant Classification Process June 2021. Collection method: clinical testing. Allele origin: germline. Affected: yes.
Comment: Not observed at significant frequency in large population cohorts (gnomAD); In silico analysis supports that this missense variant has a deleterious effect on protein structure/function; This variant is associated with the following publications: (PMID: 24844136, 22639698, 31443546)

Cambridge Genomics Laboratory, East Genomic Laboratory Hub, NHS Genomic Medicine Service
Classification: Likely pathogenic for Cerebral arterial disease. Last evaluated: 2019-06-19. Review status: criteria provided, single submitter. Criteria: ACGS Best Practice Guidelines for Variant Classification in Rare Disease 2020. Collection method: clinical testing. Allele origin: germline. Affected: yes. Observed: 1 variant allele.

Literature cited by the submitters: PubMed 22639698 (cited by 3 submitters); PubMed 31443546 (cited by 3 submitters); PubMed 33942994 (cited by 3 submitters); PubMed 36896423 (cited by Mayo Clinic Laboratories, Mayo Clinic).